The following is an entry in ClinVar:

NM_006121.4(KRT1):c.753G>T (p.Arg251=)

Gene: KRT1 (keratin 1; minus strand). Cytogenetic location: 12q13.13.
Variant type: single nucleotide variant.
Coding change: c.753G>T on transcript NM_006121.4 (MANE Select); coding-DNA position 753, G replaced by T.
Protein change: p.Arg251=; no amino-acid change (arginine 251 retained).
Molecular consequence: synonymous variant.
Genome position (GRCh38, 1-based): chr12:52,678,595, C>A on the plus strand (G>T on the coding strand, the complement: KRT1 is on the minus strand). VCF-style: chr12-52678595-C-A. GRCh37 (hg19) VCF-style: chr12-53072379-C-A.
Other names: c.753G>T (NM_006121.3).
Identifiers: ClinVar variation 4917034 (VCV004917034.2).
Genomic context (GRCh38, chr12:52,678,595, plus strand): 5'-CCCTTACTTGTTCCGGTAATCCTCCACCATGTCCTGCATGTTCTTCAGTTCCGAATCCAA[C>A]CGAGATTGATCACTCTTCAGTTGGTCCACTCTCCTTCGGAGATTGTTGATGAATGACTCA-3'
Protein context (NP_006112.3, residues 241-261): RVDQLKSDQS[Arg251=]LDSELKNMQD

ClinVar aggregate classification (germline): Likely benign. Review status: criteria provided, multiple submitters, no conflicts (2 of 4 stars). 2 submissions from 2 submitters: Likely benign (2). Last evaluated 2026-06-03.

Conditions:
KRT1-related disorder. Also called: KRT1-related condition.

gnomAD v4.1: 17 of 1,614,124 alleles (0.0011%); highest among the groups gnomAD compares: Non-Finnish European, 0.0014%; no homozygotes.

Submissions (2):

PreventionGenetics, part of Exact Sciences
Classification: Likely benign for KRT1-related condition. Last evaluated: 2026-06-03. Review status: criteria provided, single submitter. Criteria: ACMG Guidelines, 2015. Collection method: clinical testing. Allele origin: germline.
Comment: This variant is classified as likely benign based on ACMG/AMP sequence variant interpretation guidelines (Richards et al. 2015 PMID: 25741868, with internal and published modifications).

Blueprint Genetics
Classification: Likely benign. Last evaluated: 2021-04-12. Review status: criteria provided, single submitter. Criteria: ACMG Guidelines, 2015. Collection method: clinical testing. Allele origin: germline.